The following is an entry in ClinVar:

NM_014975.3(MAST1):c.4265G>A (p.Arg1422Gln)

Gene: MAST1 (microtubule associated serine/threonine kinase 1; plus strand). Cytogenetic location: 19p13.13.
Variant type: single nucleotide variant.
Coding change: c.4265G>A on transcript NM_014975.3 (MANE Select); coding-DNA position 4265, G replaced by A.
Protein change: p.Arg1422Gln; replaces arginine 1422 with glutamine.
Molecular consequence: missense variant.
Genome position (GRCh38, 1-based): chr19:12,874,422, G>A. VCF-style: chr19-12874422-G-A. GRCh37 (hg19) VCF-style: chr19-12985236-G-A.
Other names: c.4265G>A (NM_014975.2); short protein forms R1422Q.
Identifiers: ClinVar variation 2907922 (VCV002907922.4), dbSNP rs757817936, ClinGen allele CA9233540.

ClinVar aggregate classification (germline): Uncertain significance. Review status: criteria provided, multiple submitters, no conflicts (2 of 4 stars). 2 submissions from 2 submitters: Uncertain significance (2). Last evaluated 2025-12-03.

Conditions:
Inborn genetic diseases. Identifiers: MedGen C0950123, MeSH D030342.

Allele frequency attached by ClinVar (database versions not stated): ExAC 0.00001; TOPMed 0.00001; gnomAD exomes 0.00002.
gnomAD v4.1: 25 of 1,598,442 alleles (0.0016%); highest among the groups gnomAD compares: South Asian, 0.0022%; no homozygotes.

Submissions (2):

Ambry Genetics
Classification: Uncertain significance for Inborn genetic diseases. Last evaluated: 2025-12-03. Review status: criteria provided, single submitter. Criteria: Ambry Variant Classification Scheme 2023. Collection method: clinical testing. Allele origin: germline.

Labcorp Genetics (formerly Invitae), Labcorp
Classification: Uncertain significance. Last evaluated: 2023-07-31. Review status: criteria provided, single submitter. Criteria: Invitae Variant Classification Sherloc (09022015). Collection method: clinical testing. Allele origin: germline.
Comment: In summary, the available evidence is currently insufficient to determine the role of this variant in disease. Therefore, it has been classified as a Variant of Uncertain Significance. An algorithm developed to predict the effect of missense changes on protein structure and function (PolyPhen-2) suggests that this variant is likely to be disruptive. This variant has not been reported in the literature in individuals affected with MAST1-related conditions. This variant is present in population databases (rs757817936, gnomAD 0.007%). This sequence change replaces arginine, which is basic and polar, with glutamine, which is neutral and polar, at codon 1422 of the MAST1 protein (p.Arg1422Gln).